The following is an entry in ClinVar:

ClinVar aggregate classification (germline): Uncertain significance (1 of 4 stars; one submission).

Allele frequency attached by ClinVar (database versions not stated): TOPMed below 0.00001.

Submission:

Labcorp Genetics (formerly Invitae), Labcorp
Classification: Uncertain significance. Last evaluated: 2022-07-18. Review status: criteria provided, single submitter. Criteria: Invitae Variant Classification Sherloc (09022015). Collection method: clinical testing. Allele origin: germline.
Comment: ClinVar contains an entry for this variant (Variation ID: 1396487). This variant has not been reported in the literature in individuals affected with ABCA4-related conditions. This variant is not present in population databases (gnomAD no frequency). This sequence change replaces arginine, which is basic and polar, with glycine, which is neutral and non-polar, at codon 20 of the ABCA4 protein (p.Arg20Gly). In summary, the available evidence is currently insufficient to determine the role of this variant in disease. Therefore, it has been classified as a Variant of Uncertain Significance. Advanced modeling of protein sequence and biophysical properties (such as structural, functional, and spatial information, amino acid conservation, physicochemical variation, residue mobility, and thermodynamic stability) performed at Invitae indicates that this missense variant is expected to disrupt ABCA4 protein function.

NM_000350.3(ABCA4):c.58A>G (p.Arg20Gly)

Gene: ABCA4 (ATP binding cassette subfamily A member 4; minus strand). Cytogenetic location: 1p22.1.
Variant type: single nucleotide variant.
Coding change: c.58A>G on transcript NM_000350.3 (MANE Select); coding-DNA position 58, A replaced by G.
Protein change: p.Arg20Gly; replaces arginine 20 with glycine.
Molecular consequence: missense variant.
Genome position (GRCh38, 1-based): chr1:94,120,988, T>C on the plus strand (A>G on the coding strand, the complement: ABCA4 is on the minus strand). VCF-style: chr1-94120988-T-C. GRCh37 (hg19) VCF-style: chr1-94586544-T-C.
Other names: c.58A>G, p.Arg20Gly (NM_001425324.1); short protein forms R20G.
Identifiers: ClinVar variation 1396487 (VCV001396487.6), dbSNP rs1662934886, ClinGen allele CA341288542.